The following is an entry in ClinVar:

ClinVar aggregate classification (germline): Uncertain significance (1 of 4 stars; one submission).

gnomAD v4.1: 434 of 1,611,402 alleles (0.027%); highest among the groups gnomAD compares: African/African-American, 0.44%; 1 homozygote.

Submission:

GeneDx
Classification: Uncertain significance. Last evaluated: 2024-05-12. Review status: criteria provided, single submitter. Criteria: GeneDx Variant Classification Process June 2021. Collection method: clinical testing. Allele origin: germline. Affected: yes.
Comment: In silico analysis supports that this missense variant has a deleterious effect on protein structure/function; Has not been previously published as pathogenic or benign to our knowledge

NM_006828.4(ASCC3):c.2738C>G (p.Ala913Gly)

Gene: ASCC3 (activating signal cointegrator 1 complex subunit 3; minus strand). Cytogenetic location: 6q16.3.
Variant type: single nucleotide variant.
Coding change: c.2738C>G on transcript NM_006828.4 (MANE Select); coding-DNA position 2738, C replaced by G.
Protein change: p.Ala913Gly; replaces alanine 913 with glycine.
Molecular consequence: missense variant.
Genome position (GRCh38, 1-based): chr6:100,655,784, G>C on the plus strand (C>G on the coding strand, the complement: ASCC3 is on the minus strand). VCF-style: chr6-100655784-G-C. GRCh37 (hg19) VCF-style: chr6-101103660-G-C.
Other names: short protein forms A913G.
Identifiers: ClinVar variation 3378012 (VCV003378012.1).